The following is an entry in ClinVar:

NM_001142966.3(GREB1L):c.203G>A (p.Arg68His)

Genes: GREB1L (GREB1 like retinoic acid receptor coactivator; plus strand), GREB1L-AS1 (GREB1L antisense RNA 1; minus strand). Cytogenetic location: 18q11.1.
Variant type: single nucleotide variant.
Coding change: c.203G>A on transcript NM_001142966.3 (MANE Select); coding-DNA position 203, G replaced by A.
Protein change: p.Arg68His; replaces arginine 68 with histidine.
Molecular consequence: missense variant.
Genome position (GRCh38, 1-based): chr18:21,384,251, G>A. VCF-style: chr18-21384251-G-A. GRCh37 (hg19) VCF-style: chr18-18964212-G-A.
Other names: c.203G>A, p.Arg68His (NM_001410867.1, NM_001410868.1); c.203G>A (NM_001142966.1); short protein forms R68H.
Identifiers: ClinVar variation 2168929 (VCV002168929.19), dbSNP rs370589003, ClinGen allele CA8906293.

ClinVar aggregate classification (germline): Uncertain significance. Review status: criteria provided, multiple submitters, no conflicts (2 of 4 stars). 3 submissions from 3 submitters: Uncertain significance (2). 1 of the submissions does not count toward it. Last evaluated 2025-11-03.

Conditions:
GREB1L-related disorder. Also called: GREB1L-related condition.

Allele frequency attached by ClinVar (database versions not stated): ESP Exome Variant Server 0.00022.
gnomAD v4.1: 83 of 1,551,158 alleles (0.0054%); highest among the groups gnomAD compares: African/African-American, 0.0068%; no homozygotes.

Submissions (3):

Labcorp Genetics (formerly Invitae), Labcorp
Classification: Uncertain significance. Last evaluated: 2025-11-03. Review status: criteria provided, single submitter. Criteria: Invitae Variant Classification Sherloc (09022015). Collection method: clinical testing. Allele origin: germline.
Comment: This sequence change replaces arginine, which is basic and polar, with histidine, which is basic and polar, at codon 68 of the GREB1L protein (p.Arg68His). This variant is present in population databases (rs370589003, gnomAD 0.008%). This variant has not been reported in the literature in individuals affected with GREB1L-related conditions. ClinVar contains an entry for this variant (Variation ID: 2168929). An algorithm developed to predict the effect of missense changes on protein structure and function (PolyPhen-2) suggests that this variant is likely to be tolerated. In summary, the available evidence is currently insufficient to determine the role of this variant in disease. Therefore, it has been classified as a Variant of Uncertain Significance.

CeGaT Center for Human Genetics Tuebingen
Classification: Uncertain significance. Last evaluated: 2024-09-01. Review status: criteria provided, single submitter. Criteria: CeGaT Center For Human Genetics Tuebingen Variant Classification Criteria Version 2. Collection method: clinical testing. Allele origin: germline. Affected: yes. Observed: 1 variant allele.
Comment: GREB1L: PP2

PreventionGenetics, part of Exact Sciences
Classification: Uncertain significance for GREB1L-related condition. Last evaluated: 2024-09-10. Review status: no assertion criteria provided. Collection method: clinical testing. Allele origin: germline. Not counted in ClinVar's aggregate classification.
Comment: The GREB1L c.203G>A variant is predicted to result in the amino acid substitution p.Arg68His. To our knowledge, this variant has not been reported in the literature. This variant is reported in 0.0079% of alleles in individuals of European (Non-Finnish) descent in gnomAD. At this time, the clinical significance of this variant is uncertain due to the absence of conclusive functional and genetic evidence.